The following is an entry in ClinVar:

NM_203487.3(PCDH9):c.3627C>A (p.Ser1209Arg)

Genes: PCDH9 (protocadherin 9; minus strand), PCDH9-AS1 (PCDH9 antisense RNA 1; plus strand). Cytogenetic location: 13q21.32.
Variant type: single nucleotide variant.
Coding change: c.3627C>A on transcript NM_203487.3 (MANE Select); coding-DNA position 3627, C replaced by A.
Protein change: p.Ser1209Arg; replaces serine 1209 with arginine.
Molecular consequence: missense variant.
Genome position (GRCh38, 1-based): chr13:66,304,742, G>T on the plus strand (C>A on the coding strand, the complement: PCDH9 is on the minus strand). VCF-style: chr13-66304742-G-T. GRCh37 (hg19) VCF-style: chr13-66878874-G-T.
Other names: c.3501C>A, p.Ser1167Arg (NM_001318372.2); c.3399C>A, p.Ser1133Arg (NM_001318373.2); c.3525C>A, p.Ser1175Arg (NM_020403.5); short protein forms S1133R, S1167R, S1175R, S1209R.
Identifiers: ClinVar variation 2643836 (VCV002643836.24), dbSNP rs149158184, ClinGen allele CA6998411.

ClinVar aggregate classification (germline): Likely benign (1 of 4 stars; one submission).

Allele frequency attached by ClinVar (database versions not stated): ESP Exome Variant Server 0.00208; 1000 Genomes Project 0.00240; 1000 Genomes Project 30x 0.00250; gnomAD 0.00264.
gnomAD v4.1: 4,966 of 1,612,976 alleles (0.31%); highest among the groups gnomAD compares: South Asian, 0.83%; 23 homozygotes.

Submission:

CeGaT Center for Human Genetics Tuebingen
Classification: Likely benign. Last evaluated: 2025-01-01. Review status: criteria provided, single submitter. Criteria: CeGaT Center For Human Genetics Tuebingen Variant Classification Criteria Version 2. Collection method: clinical testing. Allele origin: germline. Affected: yes. Observed: 4 variant alleles.
Comment: PCDH9: BP4, BS2